The following is an entry in ClinVar:

NM_000392.5(ABCC2):c.966C>T (p.Leu322=)

Gene: ABCC2 (ATP binding cassette subfamily C member 2; plus strand). Cytogenetic location: 10q24.2.
Variant type: single nucleotide variant.
Coding change: c.966C>T on transcript NM_000392.5 (MANE Select); coding-DNA position 966, C replaced by T.
Protein change: p.Leu322=; no amino-acid change (leucine 322 retained).
Molecular consequence: synonymous variant.
Genome position (GRCh38, 1-based): chr10:99,799,305, C>T. VCF-style: chr10-99799305-C-T. GRCh37 (hg19) VCF-style: chr10-101559062-C-T.
Other names: c.966C>T (NM_000392.4).
Identifiers: ClinVar variation 2749953 (VCV002749953.4), dbSNP rs1191512014, ClinGen allele CA471127191.

ClinVar aggregate classification (germline): Likely benign. Review status: criteria provided, multiple submitters, no conflicts (2 of 4 stars). 2 submissions from 2 submitters: Likely benign (2). Last evaluated 2025-03-19.

Conditions:
ABCC2-related disorder. Also called: ABCC2-related condition.

Allele frequency attached by ClinVar (database versions not stated): gnomAD exomes below 0.00001; TOPMed below 0.00001.
gnomAD v4.1: 5 of 1,614,116 alleles (0.00031%); highest among the groups gnomAD compares: Non-Finnish European, 0.00042%; no homozygotes.

Submissions (2):

PreventionGenetics, part of Exact Sciences
Classification: Likely benign for ABCC2-related condition. Last evaluated: 2025-03-19. Review status: criteria provided, single submitter. Criteria: ACMG Guidelines, 2015. Collection method: clinical testing. Allele origin: germline.
Comment: This variant is classified as likely benign based on ACMG/AMP sequence variant interpretation guidelines (Richards et al. 2015 PMID: 25741868, with internal and published modifications).

Labcorp Genetics (formerly Invitae), Labcorp
Classification: Likely benign. Last evaluated: 2023-06-29. Review status: criteria provided, single submitter. Criteria: Invitae Variant Classification Sherloc (09022015). Collection method: clinical testing. Allele origin: germline.